The following is an entry in ClinVar:

ClinVar aggregate classification (germline): Uncertain significance. Review status: criteria provided, multiple submitters, no conflicts (2 of 4 stars). 2 submissions from 2 submitters: Uncertain significance (2). Last evaluated 2024-07-31.

Conditions:
Emery-Dreifuss muscular dystrophy 4, autosomal dominant (EDMD4). Also called: EMERY-DREIFUSS MUSCULAR DYSTROPHY 4 WITH VARIABLE FEATURES. Identifiers: Orphanet 261, MedGen C2751807, MONDO:0013071, OMIM 612998.
Autosomal recessive ataxia, Beauce type. Also called: ATAXIA, RECESSIVE, OF BEAUCE; SYNE1 Deficiency; Spinocerebellar ataxia, autosomal recessive 8; SYNE1-Related Autosomal Recessive Cerebellar Ataxia. Identifiers: Orphanet 88644, MedGen C1853116, MONDO:0012549, OMIM 610743.

Allele frequency attached by ClinVar (database versions not stated): gnomAD exomes below 0.00001; ExAC 0.00001.
gnomAD v4.1: 2 of 1,614,160 alleles (0.00012%); highest among the groups gnomAD compares: Admixed American, 0.0017%; no homozygotes.

Submissions (2):

Women's Health and Genetics/Laboratory Corporation of America, LabCorp
Classification: Uncertain significance. Last evaluated: 2024-07-31. Review status: criteria provided, single submitter. Criteria: LabCorp Variant Classification Summary - May 2015. Collection method: clinical testing. Allele origin: germline.
Comment: Variant summary: SYNE1 c.21607A>T (p.Ile7203Phe) results in a non-conservative amino acid change in the encoded protein sequence. Four of five in-silico tools predict a damaging effect of the variant on protein function. The variant allele was found at a frequency of 4e-06 in 251358 control chromosomes. The available data on variant occurrences in the general population are insufficient to allow any conclusion about variant significance. To our knowledge, no occurrence of c.21607A>T in individuals affected with SYNE1-Related Disorders and no experimental evidence demonstrating its impact on protein function have been reported. ClinVar contains an entry for this variant (Variation ID: 851953). Based on the evidence outlined above, the variant was classified as uncertain significance.

Labcorp Genetics (formerly Invitae), Labcorp
Classification: Uncertain significance for Emery-Dreifuss muscular dystrophy 4, autosomal dominant; Autosomal recessive ataxia, Beauce type. Last evaluated: 2024-02-23. Review status: criteria provided, single submitter. Criteria: Invitae Variant Classification Sherloc (09022015). Collection method: clinical testing. Allele origin: germline.
Comment: This sequence change replaces isoleucine, which is neutral and non-polar, with phenylalanine, which is neutral and non-polar, at codon 7203 of the SYNE1 protein (p.Ile7203Phe). This variant is present in population databases (rs775870306, gnomAD 0.003%). This variant has not been reported in the literature in individuals affected with SYNE1-related conditions. ClinVar contains an entry for this variant (Variation ID: 851953). An algorithm developed to predict the effect of missense changes on protein structure and function (PolyPhen-2) suggests that this variant is likely to be disruptive. In summary, the available evidence is currently insufficient to determine the role of this variant in disease. Therefore, it has been classified as a Variant of Uncertain Significance.

NM_182961.4(SYNE1):c.21820A>T (p.Ile7274Phe)

Gene: SYNE1 (spectrin repeat containing nuclear envelope protein 1; minus strand). Cytogenetic location: 6q25.2.
Variant type: single nucleotide variant.
Coding change: c.21820A>T on transcript NM_182961.4 (MANE Select); coding-DNA position 21820, A replaced by T.
Protein change: p.Ile7274Phe; replaces isoleucine 7274 with phenylalanine.
Molecular consequence: missense variant.
Genome position (GRCh38, 1-based): chr6:152,220,883, T>A on the plus strand (A>T on the coding strand, the complement: SYNE1 is on the minus strand). VCF-style: chr6-152220883-T-A. GRCh37 (hg19) VCF-style: chr6-152542018-T-A.
Other names: c.21607A>T, p.Ile7203Phe (NM_033071.5); short protein forms I7203F, I7274F.
Identifiers: ClinVar variation 851953 (VCV000851953.10), dbSNP rs775870306, ClinGen allele CA4054054.
Genomic context (GRCh38, chr6:152,220,883, plus strand): 5'-AGGTAGCTCCTGAACATACGTTGCAATCTTGAATCCATGTGGCAACCTCATCATCGGCAA[T>A]GTCCTTGTTTGTGGCTGCCTTCAACAGCTCATTGGTTCGATCCTCCTGCTGCTGAACTGT-3'
Protein context (NP_892006.3, residues 7264-7284): ELLKAATNKD[Ile7274Phe]ADDEVATWIQ